The following is an entry in ClinVar:

ClinVar aggregate classification (germline): Conflicting classifications of pathogenicity. Review status: criteria provided, conflicting classifications (1 of 4 stars). 5 submissions from 5 submitters: Uncertain significance (3); Likely benign (2). Last evaluated 2026-08-01.

Allele frequency attached by ClinVar (database versions not stated): gnomAD 0.00001; gnomAD exomes 0.00002 and 0.00003; TOPMed 0.00003; ExAC 0.00002.
gnomAD v4.1: 34 of 1,612,040 alleles (0.0021%); highest among the groups gnomAD compares: Admixed American, 0.005%; no homozygotes.

Submissions (5):

CeGaT Center for Human Genetics Tuebingen
Classification: Uncertain significance. Last evaluated: 2026-08-01. Review status: criteria provided, single submitter. Criteria: CeGaT Center For Human Genetics Tuebingen Variant Classification Criteria Version 2. Collection method: clinical testing. Allele origin: germline. Affected: yes. Observed: 1 variant allele.
Comment: TTN: PM2, PP3

Molecular Diagnostic Laboratory for Inherited Cardiovascular Disease, Montreal Heart Institute
Classification: Likely benign. Last evaluated: 2026-03-27. Review status: criteria provided, single submitter. Criteria: ACMG Guidelines, 2015. Collection method: clinical testing. Allele origin: germline. Affected: no.
Comment: BP7

Women's Health and Genetics/Laboratory Corporation of America, LabCorp
Classification: Uncertain significance. Last evaluated: 2025-11-25. Review status: criteria provided, single submitter. Criteria: LabCorp Variant Classification Summary - May 2015. Collection method: clinical testing. Allele origin: germline.
Comment: Variant summary: TTN NM_133378 c.56039T>C (p.Leu18680Pro), also known as NM_133378 c.63743T>C p.Leu21248Pro, results in a non-conservative amino acid change in the encoded protein sequence. Algorithms developed to predict the effect of missense changes on protein structure and function all suggest that this variant is likely to be disruptive. The variant allele was found at a frequency of 3.2e-05 in 246672 control chromosomes. The available data on variant occurrences in the general population are insufficient to allow any conclusion about variant significance. To our knowledge, no occurrence of c.56039T>C in individuals affected with TTN-related conditions and no experimental evidence demonstrating its impact on protein function have been reported. ClinVar contains an entry for this variant (Variation ID: 202319). Based on the evidence outlined above, the variant was classified as uncertain significance.

Athena Diagnostics
Classification: Uncertain significance. Last evaluated: 2016-09-21. Review status: criteria provided, single submitter. Criteria: Athena Diagnostics Criteria. Collection method: clinical testing. Allele origin: germline.

GeneDx
Classification: Likely benign. Last evaluated: 2012-11-09. Review status: criteria provided, single submitter. Criteria: GeneDx Variant Classification (06012015). Collection method: clinical testing. Allele origin: germline. Affected: yes.
Comment: This variant is considered likely benign or benign based on one or more of the following criteria: it is a conservative change, it occurs at a poorly conserved position in the protein, it is predicted to be benign by multiple in silico algorithms, and/or has population frequency not consistent with disease.

NM_001267550.2(TTN):c.63743T>C (p.Leu21248Pro)

Genes: TTN (titin; minus strand), TTN-AS1 (TTN antisense RNA 1; plus strand). Cytogenetic location: 2q31.2.
Variant type: single nucleotide variant.
Coding change: c.63743T>C on transcript NM_001267550.2 (MANE Select); coding-DNA position 63743, T replaced by C.
Protein change: p.Leu21248Pro; replaces leucine 21248 with proline.
Molecular consequence: missense variant.
Genome position (GRCh38, 1-based): chr2:178,587,566, A>G on the plus strand (T>C on the coding strand, the complement: TTN is on the minus strand). VCF-style: chr2-178587566-A-G. GRCh37 (hg19) VCF-style: chr2-179452293-A-G.
Other names: p.L19607P:CTT>CCT; c.58820T>C, p.Leu19607Pro (NM_001256850.1); c.36548T>C, p.Leu12183Pro (NM_003319.4); c.56039T>C, p.Leu18680Pro (NM_133378.4); c.36923T>C, p.Leu12308Pro (NM_133432.3); c.37124T>C, p.Leu12375Pro (NM_133437.4); short protein forms L19607P, L21248P, L18680P, L12183P, L12308P, L12375P.
Identifiers: ClinVar variation 202319 (VCV000202319.8), dbSNP rs745323281, ClinGen allele CA309073.